The following is an entry in ClinVar:

ClinVar aggregate classification (germline): Likely benign. Review status: criteria provided, multiple submitters, no conflicts (2 of 4 stars). 3 submissions from 3 submitters: Likely benign (3). Last evaluated 2026-01-19.

Conditions:
ARID1A-related disorder. Also called: ARID1A-related condition.

Allele frequency attached by ClinVar (database versions not stated): gnomAD exomes 0.00001; gnomAD 0.00013 and 0.00014.

Submissions (3):

Labcorp Genetics (formerly Invitae), Labcorp
Classification: Likely benign. Last evaluated: 2026-01-19. Review status: criteria provided, single submitter. Criteria: Invitae Variant Classification Sherloc (09022015). Collection method: clinical testing. Allele origin: germline.

PreventionGenetics, part of Exact Sciences
Classification: Likely benign for ARID1A-related condition. Last evaluated: 2025-09-22. Review status: criteria provided, single submitter. Criteria: ACMG Guidelines, 2015. Collection method: clinical testing. Allele origin: germline.
Comment: This variant is classified as likely benign based on ACMG/AMP sequence variant interpretation guidelines (Richards et al. 2015 PMID: 25741868, with internal and published modifications).

GeneDx
Classification: Likely benign. Last evaluated: 2020-11-11. Review status: criteria provided, single submitter. Criteria: GeneDx Variant Classification Process June 2021. Collection method: clinical testing. Allele origin: germline. Affected: yes.

NM_006015.6(ARID1A):c.375T>C (p.Gly125=)

Gene: ARID1A (AT-rich interaction domain 1A; plus strand). Cytogenetic location: 1p36.11.
Variant type: single nucleotide variant.
Coding change: c.375T>C on transcript NM_006015.6 (MANE Select); coding-DNA position 375, T replaced by C.
Protein change: p.Gly125=; no amino-acid change (glycine 125 retained).
Molecular consequence: synonymous variant.
Genome position (GRCh38, 1-based): chr1:26,696,778, T>C. VCF-style: chr1-26696778-T-C. GRCh37 (hg19) VCF-style: chr1-27023269-T-C.
Other names: c.375T>C, p.Gly125= (NM_139135.4).
Identifiers: ClinVar variation 1211592 (VCV001211592.9), dbSNP rs1285709722, ClinGen allele CA416989142.
Genomic context (GRCh38, chr1:26,696,778, plus strand): 5'-GAACGCGGGCCCTAGGCCCGCCCTGAACAATAACCTCACGGAGCCGCCCGGCGGCGGCGG[T>C]GGCGGCAGCAGCGATGGGGTGGGGGCGCCTCCTCACTCAGCCGCGGCCGCCTTGCCGCCC-3'
Protein context (NP_006006.3, residues 115-135): NNLTEPPGGG[Gly125=]GGSSDGVGAP